The following is an entry in ClinVar:

NM_000108.5(DLD):c.875+1G>T

Gene: DLD (dihydrolipoamide dehydrogenase; plus strand). Cytogenetic location: 7q31.1.
Variant type: single nucleotide variant.
Coding change: c.875+1G>T on transcript NM_000108.5 (MANE Select); the canonical splice donor site of the intron after coding-DNA position 875, G replaced by T.
Molecular consequence: splice donor variant.
Genome position (GRCh38, 1-based): chr7:107,915,697, G>T. VCF-style: chr7-107915697-G-T. GRCh37 (hg19) VCF-style: chr7-107556142-G-T.
Other names: c.731+1G>T (NM_001289752.1); c.806+1G>T (NM_001289751.1); c.578+1G>T (NM_001289750.1).
Identifiers: ClinVar variation 1348981 (VCV001348981.8), dbSNP rs1328820332, ClinGen allele CA368857432.

ClinVar aggregate classification (germline): Likely pathogenic (1 of 4 stars; one submission).

Conditions:
Pyruvate dehydrogenase E3 deficiency (DLDD). Also called: Dihydrolipoamide Dehydrogenase E3 Deficiency; DLD DEFICIENCY; E3 DEFICIENCY; Lipoamide dehydrogenase deficiency; Lipoamide dehydrogenase deficiency, lactic acidosis due to; Dihydrolipoamide Dehydrogenase Deficiency. Identifiers: Orphanet 2394, Orphanet 765, MedGen C5574660, MONDO:0009529, OMIM 246900.

Submission:

Labcorp Genetics (formerly Invitae), Labcorp
Classification: Likely pathogenic for Pyruvate dehydrogenase E3 deficiency. Last evaluated: 2020-12-03. Review status: criteria provided, single submitter. Criteria: Invitae Variant Classification Sherloc (09022015). Collection method: clinical testing. Allele origin: germline.
Comment: Disruption of this splice site has been observed in individual(s) affected with DLD-related conditions (PMID: 12925875). This variant is not present in population databases (ExAC no frequency). This sequence change affects a donor splice site in intron 9 of the DLD gene. It is expected to disrupt RNA splicing. Variants that disrupt the donor or acceptor splice site typically lead to a loss of protein function (PMID: 16199547), and loss-of-function variants in DLD are known to be pathogenic (PMID: 8968745, 9934985). Algorithms developed to predict the effect of sequence changes on RNA splicing suggest that this variant may disrupt the consensus splice site, but this prediction has not been confirmed by published transcriptional studies. In summary, the currently available evidence indicates that the variant is pathogenic, but additional data are needed to prove that conclusively. Therefore, this variant has been classified as Likely Pathogenic.

Literature cited by the submitters: PubMed 12925875; PubMed 16199547; PubMed 8968745; PubMed 9934985.